The following is an entry in ClinVar:

NM_012473.4(TXN2):c.373G>A (p.Ala125Thr)

Gene: TXN2 (thioredoxin 2; minus strand). Cytogenetic location: 22q12.3.
Variant type: single nucleotide variant.
Coding change: c.373G>A on transcript NM_012473.4 (MANE Select); coding-DNA position 373, G replaced by A.
Protein change: p.Ala125Thr; replaces alanine 125 with threonine.
Molecular consequence: missense variant.
Genome position (GRCh38, 1-based): chr22:36,476,747, C>T on the plus strand (G>A on the coding strand, the complement: TXN2 is on the minus strand). VCF-style: chr22-36476747-C-T. GRCh37 (hg19) VCF-style: chr22-36872794-C-T.
Other names: short protein forms A125T.
Identifiers: ClinVar variation 4771921 (VCV004771921.1).
Genomic context (GRCh38, chr22:36,476,747, plus strand): 5'-ACCTCCTATACTGGCTTCCCTGTGGCAACTCCCTGTCAATCCATACCTCATACTCAATGG[C>T]GAGGTCTGTGTGGTCATCAATATCCACCTTGGCCATCACCACCTTCCCGTGCTGCTTGGC-3'
Protein context (NP_036605.2, residues 115-135): KVDIDDHTDL[Ala125Thr]IEYEVSAVPT

ClinVar aggregate classification (germline): Uncertain significance (1 of 4 stars; one submission).

Submission:

Labcorp Genetics (formerly Invitae), Labcorp
Classification: Uncertain significance. Last evaluated: 2025-06-05. Review status: criteria provided, single submitter. Criteria: Invitae Variant Classification Sherloc (09022015). Collection method: clinical testing. Allele origin: germline.
Comment: This sequence change replaces alanine, which is neutral and non-polar, with threonine, which is neutral and polar, at codon 125 of the TXN2 protein (p.Ala125Thr). This variant is present in population databases (rs776811065, gnomAD 0.007%). This variant has not been reported in the literature in individuals affected with TXN2-related conditions. An algorithm developed to predict the effect of missense changes on protein structure and function (PolyPhen-2) suggests that this variant is likely to be disruptive. In summary, the available evidence is currently insufficient to determine the role of this variant in disease. Therefore, it has been classified as a Variant of Uncertain Significance.